The following is an entry in ClinVar:

NM_002180.3(IGHMBP2):c.*3G>A

Gene: IGHMBP2 (immunoglobulin mu DNA binding protein 2; plus strand). Cytogenetic location: 11q13.3.
Variant type: single nucleotide variant.
Coding change: c.*3G>A on transcript NM_002180.3 (MANE Select); 3 bases downstream of the stop codon, G replaced by A.
Molecular consequence: 3 prime UTR variant.
Genome position (GRCh38, 1-based): chr11:68,939,734, G>A. VCF-style: chr11-68939734-G-A. GRCh37 (hg19) VCF-style: chr11-68707202-G-A.
Identifiers: ClinVar variation 381069 (VCV000381069.9), dbSNP rs372949830, ClinGen allele CA6154078.

ClinVar aggregate classification (germline): Benign/Likely benign. Review status: criteria provided, multiple submitters, no conflicts (2 of 4 stars). 3 submissions from 3 submitters: Benign (1); Likely benign (1). 1 of the submissions does not count toward it. Last evaluated 2023-07-17.

Conditions:
IGHMBP2-related disorder. Also called: IGHMBP2-related condition; IGHMBP2-related disorders.
Charcot-Marie-Tooth disease. Also called: Charcot-Marie-Tooth Neuropathy; Charcot-Marie-Tooth Hereditary Neuropathy. Identifiers: Orphanet 166, MedGen C0007959, MONDO:0015626.

Allele frequency attached by ClinVar (database versions not stated): gnomAD exomes 0.00027; ExAC 0.00047; 1000 Genomes Project 30x 0.00109; gnomAD 0.00119 and 0.00121; 1000 Genomes Project 0.00120; TOPMed 0.00142; ESP Exome Variant Server 0.00147.

Submissions (3):

GeneDx
Classification: Likely benign. Last evaluated: 2023-07-17. Review status: criteria provided, single submitter. Criteria: GeneDx Variant Classification Process June 2021. Collection method: clinical testing. Allele origin: germline. Affected: yes.
Comment: See Variant Classification Assertion Criteria.

Molecular Genetics Laboratory, London Health Sciences Centre
Classification: Benign for Charcot-Marie-Tooth disease. Review status: criteria provided, single submitter. Criteria: ACMG Guidelines, 2015. Collection method: clinical testing. Allele origin: germline. Affected: yes.

PreventionGenetics, part of Exact Sciences
Classification: Likely benign for IGHMBP2-related condition. Last evaluated: 2019-05-10. Review status: no assertion criteria provided. Collection method: clinical testing. Allele origin: germline. Not counted in ClinVar's aggregate classification.
Comment: This variant is classified as likely benign based on ACMG/AMP sequence variant interpretation guidelines (Richards et al. 2015 PMID: 25741868, with internal and published modifications).